The following is an entry in ClinVar:

NM_001365999.1(SZT2):c.3020T>A (p.Met1007Lys)

Gene: SZT2 (SZT2 subunit of KICSTOR complex; plus strand). Cytogenetic location: 1p34.2.
Variant type: single nucleotide variant.
Coding change: c.3020T>A on transcript NM_001365999.1 (MANE Select); coding-DNA position 3020, T replaced by A.
Protein change: p.Met1007Lys; replaces methionine 1007 with lysine.
Molecular consequence: missense variant.
Genome position (GRCh38, 1-based): chr1:43,426,128, T>A. VCF-style: chr1-43426128-T-A. GRCh37 (hg19) VCF-style: chr1-43891799-T-A.
Other names: c.3020T>A, p.Met1007Lys (NM_015284.4); c.3020T>A (NM_015284.3); short protein forms M1007K.
Identifiers: ClinVar variation 1487522 (VCV001487522.7), dbSNP rs762666337, ClinGen allele CA340016253.
Genomic context (GRCh38, chr1:43,426,128, plus strand): 5'-ATGAGATCCCTTTCCATTTTGACCTAATGGGATTGCTGCCACAGTGCCAGCAGCTCCAGA[T>A]GTTCTTCCTCTTGCTTGCCAGAGGTAGGTGAACCTGGTACCCTTTCACCCCACACCTAAA-3'
Protein context (NP_001352928.1, residues 997-1017): GLLPQCQQLQ[Met1007Lys]FFLLLAREPE

ClinVar aggregate classification (germline): Uncertain significance. Review status: criteria provided, multiple submitters, no conflicts (2 of 4 stars). 2 submissions from 2 submitters: Uncertain significance (2). Last evaluated 2025-08-20.

Conditions:
Inborn genetic diseases. Identifiers: MedGen C0950123, MeSH D030342.

Submissions (2):

Ambry Genetics
Classification: Uncertain significance for Inborn genetic diseases. Last evaluated: 2025-08-20. Review status: criteria provided, single submitter. Criteria: Ambry Variant Classification Scheme 2023. Collection method: clinical testing. Allele origin: germline.

Labcorp Genetics (formerly Invitae), Labcorp
Classification: Uncertain significance. Last evaluated: 2022-06-13. Review status: criteria provided, single submitter. Criteria: Invitae Variant Classification Sherloc (09022015). Collection method: clinical testing. Allele origin: germline.
Comment: This sequence change replaces methionine, which is neutral and non-polar, with lysine, which is basic and polar, at codon 1007 of the SZT2 protein (p.Met1007Lys). In summary, the available evidence is currently insufficient to determine the role of this variant in disease. Therefore, it has been classified as a Variant of Uncertain Significance. Algorithms developed to predict the effect of missense changes on protein structure and function (SIFT, PolyPhen-2, Align-GVGD) all suggest that this variant is likely to be tolerated. This variant has not been reported in the literature in individuals affected with SZT2-related conditions. This variant is not present in population databases (gnomAD no frequency).